The following is an entry in ClinVar:

NM_170707.4(LMNA):c.1523C>T (p.Pro508Leu)

Gene: LMNA (lamin A/C; plus strand). Cytogenetic location: 1q22.
Variant type: single nucleotide variant.
Coding change: c.1523C>T on transcript NM_170707.4 (MANE Select); coding-DNA position 1523, C replaced by T.
Protein change: p.Pro508Leu; replaces proline 508 with leucine.
Molecular consequence: missense variant.
Genome position (GRCh38, 1-based): chr1:156,137,147, C>T. VCF-style: chr1-156137147-C-T. GRCh37 (hg19) VCF-style: chr1-156106938-C-T.
Other names: c.1187C>T, p.Pro396Leu (NM_001257374.3); c.1280C>T, p.Pro427Leu (NM_001282624.2); c.1523C>T, p.Pro508Leu (NM_001282625.2, NM_001282626.2, NM_005572.4 and 1 more transcripts); short protein forms P427L, P508L, P396L.
Identifiers: ClinVar variation 863297 (VCV000863297.9), dbSNP rs1164522299, ClinGen allele CA342823146.

ClinVar aggregate classification (germline): Uncertain significance. Review status: criteria provided, multiple submitters, no conflicts (2 of 4 stars). 2 submissions from 2 submitters: Uncertain significance (2). Last evaluated 2025-12-01.

Conditions:
Charcot-Marie-Tooth disease type 2. Also called: Charcot-Marie-Tooth type 2. Identifiers: Orphanet 64746, MedGen C0270914, MONDO:0018993.

Allele frequency attached by ClinVar (database versions not stated): gnomAD exomes below 0.00001 and 0.00001.
gnomAD v4.1: 3 of 1,613,186 alleles (0.00019%); highest among the groups gnomAD compares: Non-Finnish European, 0.00025%; no homozygotes.

Submissions (2):

Women's Health and Genetics/Laboratory Corporation of America, LabCorp
Classification: Uncertain significance. Last evaluated: 2025-12-01. Review status: criteria provided, single submitter. Criteria: LabCorp Variant Classification Summary - May 2015. Collection method: clinical testing. Allele origin: germline.
Comment: Variant summary: LMNA c.1523C>T (p.Pro508Leu) results in a non-conservative amino acid change in the encoded protein sequence. Algorithms developed to predict the effect of missense changes on protein structure and function all suggest that this variant is likely to be disruptive. The variant allele was found at a frequency of 4e-06 in 247670 control chromosomes. The available data on variant occurrences in the general population are insufficient to allow any conclusion about variant significance. To our knowledge, no occurrence of c.1523C>T in individuals affected with LMNA-related conditions and no experimental evidence demonstrating its impact on protein function have been reported. ClinVar contains an entry for this variant (Variation ID: 863297). Based on the evidence outlined above, the variant was classified as uncertain significance.

Labcorp Genetics (formerly Invitae), Labcorp
Classification: Uncertain significance for Charcot-Marie-Tooth disease type 2. Last evaluated: 2025-04-20. Review status: criteria provided, single submitter. Criteria: Invitae Variant Classification Sherloc (09022015). Collection method: clinical testing. Allele origin: germline.
Comment: This sequence change replaces proline, which is neutral and non-polar, with leucine, which is neutral and non-polar, at codon 508 of the LMNA protein (p.Pro508Leu). The frequency data for this variant in the population databases is considered unreliable, as metrics indicate poor data quality at this position in the gnomAD database. This variant has not been reported in the literature in individuals affected with LMNA-related conditions. ClinVar contains an entry for this variant (Variation ID: 863297). Invitae Evidence Modeling of protein sequence and biophysical properties (such as structural, functional, and spatial information, amino acid conservation, physicochemical variation, residue mobility, and thermodynamic stability) indicates that this missense variant is expected to disrupt LMNA protein function with a positive predictive value of 95%. In summary, the available evidence is currently insufficient to determine the role of this variant in disease. Therefore, it has been classified as a Variant of Uncertain Significance.